The following is an entry in ClinVar:

ClinVar aggregate classification (germline): Uncertain significance (0 of 4 stars; one submission).

Conditions:
SLC9A9-related disorder. Also called: SLC9A9-related condition.

Submission:

PreventionGenetics, part of Exact Sciences
Classification: Uncertain significance for SLC9A9-related condition. Last evaluated: 2024-03-21. Review status: no assertion criteria provided. Collection method: clinical testing. Allele origin: germline.
Comment: The SLC9A9 c.1046C>T variant is predicted to result in the amino acid substitution p.Thr349Ile. To our knowledge, this variant has not been reported in the literature or in a large population database, indicating this variant is rare. At this time, the clinical significance of this variant is uncertain due to the absence of conclusive functional and genetic evidence.

NM_173653.4(SLC9A9):c.1046C>T (p.Thr349Ile)

Gene: SLC9A9 (solute carrier family 9 member A9; minus strand). Cytogenetic location: 3q24.
Variant type: single nucleotide variant.
Coding change: c.1046C>T on transcript NM_173653.4 (MANE Select); coding-DNA position 1046, C replaced by T.
Protein change: p.Thr349Ile; replaces threonine 349 with isoleucine.
Molecular consequence: missense variant.
Genome position (GRCh38, 1-based): chr3:143,552,405, G>A on the plus strand (C>T on the coding strand, the complement: SLC9A9 is on the minus strand). VCF-style: chr3-143552405-G-A. GRCh37 (hg19) VCF-style: chr3-143271247-G-A.
Other names: short protein forms T349I.
Identifiers: ClinVar variation 3358000 (VCV003358000.1).